The following is an entry in ClinVar:

NM_001042492.3(NF1):c.4289dup (p.Pro1431fs)

Gene: NF1 (neurofibromin 1; plus strand). Cytogenetic location: 17q11.2.
Variant type: Duplication.
Coding change: c.4289dup on transcript NM_001042492.3 (MANE Select); coding-DNA position 4289, one base duplicated (A; older notation c.4289dupA).
Protein change: p.Pro1431fs; shifts the reading frame from proline 1431.
Molecular consequence: frameshift variant.
Genome position (GRCh38, 1-based): chr17:31,258,459, A duplicated; the last of 5 consecutive A bases (chr17:31,258,455-31,258,459); duplicating any one gives the same sequence. VCF-style (leftmost placement, unchanged base first): chr17-31258454-T-TA. GRCh37 (hg19) VCF-style: chr17-29585472-T-TA.
Other names: c.4226dup, p.Pro1410Alafs (NM_000267.4); c.4289dupA (NM_001042492.2); short protein forms P1410fs, P1431fs.
Identifiers: ClinVar variation 2633418 (VCV002633418.1), dbSNP rs2508409237, ClinGen allele CA2695201276.
Genomic context (GRCh38, chr17:31,258,454, plus strand): 5'-CATGTTCCTCAGATTTATCAATCCTGCCATTGTCTCACCGTATGAAGCAGGGATTTTAGA[T>TA]AAAAAGCCACCACCTAGAATCGAAAGGGGCTTGAAGTTAATGTCAAAGGTGAATTATTTT-3'

ClinVar aggregate classification (germline): Pathogenic (1 of 4 stars; one submission).

Conditions:
NF1-related disorder. Also called: NF1-related condition. Identifiers: MedGen CN379171.

Submission:

PreventionGenetics, part of Exact Sciences
Classification: Pathogenic for NF1-related condition. Last evaluated: 2023-04-07. Review status: criteria provided, single submitter. Criteria: ACMG Guidelines, 2015. Collection method: clinical testing. Allele origin: germline.
Comment: The NF1 c.4289dupA variant is predicted to result in a frameshift and premature protein termination (p.Pro1431Alafs*4). This variant, also referred to as c.4226dup (p.Pro1410Alafs*4) in an alternate transcript (NM_000267.3), has been reported in an individual with neurofibromatosis type 1 (Duat Rodríguez et al. 2015. PubMed ID: 25541118). This variant has not been reported in a large population database, indicating this variant is rare. Frameshift variants in NF1 are expected to be pathogenic. This variant is interpreted as pathogenic.